The following is an entry in ClinVar:

NM_000051.4(ATM):c.3927A>G (p.Ala1309=)

Gene: ATM (ATM serine/threonine kinase; plus strand). Cytogenetic location: 11q22.3.
Variant type: single nucleotide variant.
Coding change: c.3927A>G on transcript NM_000051.4 (MANE Select); coding-DNA position 3927, A replaced by G.
Protein change: p.Ala1309=; no amino-acid change (alanine 1309 retained).
Molecular consequence: synonymous variant.
Genome position (GRCh38, 1-based): chr11:108,284,407, A>G. VCF-style: chr11-108284407-A-G. GRCh37 (hg19) VCF-style: chr11-108155134-A-G.
Other names: c.3927A>G, p.Ala1309= (NM_001351834.2).
Identifiers: ClinVar variation 434432 (VCV000434432.17), dbSNP rs1555093665, ClinGen allele CA476744904.

ClinVar aggregate classification (germline): Conflicting classifications of pathogenicity. Review status: criteria provided, conflicting classifications (1 of 4 stars). 6 submissions from 6 submitters: Uncertain significance (1); Benign (1); Likely benign (4). Last evaluated 2024-05-15.

Conditions:
Familial colorectal cancer type X. Identifiers: Orphanet 440437, MedGen C3896578, MONDO:0018604.
Hereditary cancer-predisposing syndrome. Also called: Hereditary neoplastic syndrome; Tumor predisposition; Neoplastic Syndromes, Hereditary; Hereditary Cancer Syndrome. Identifiers: Orphanet 140162, MedGen C0027672, MeSH D009386, MONDO:0015356.
Familial cancer of breast. Also called: BREAST CANCER, FAMILIAL; Hereditary breast cancer; hereditary breast carcinoma. Identifiers: Orphanet 227535, MedGen C0346153, MONDO:0016419, OMIM 114480. Disease mechanism: loss of function.
Ataxia-telangiectasia syndrome (AT). Also called: Cerebello-oculocutaneous telangiectasia; Immunodeficiency with ataxia telangiectasia; Ataxia-telangiectasia; LOUIS-BAR SYNDROME; Ataxia-telangiectasia, complementation group E; Ataxia telangiectasia (A-T). Identifiers: Orphanet 100, MedGen C0004135, MONDO:0008840, OMIM 208900.

Submissions (6):

Myriad Genetics, Inc.
Classification: Benign for Familial cancer of breast. Last evaluated: 2024-05-15. Review status: criteria provided, single submitter. Criteria: Myriad Autosomal Dominant, Autosomal Recessive and X-Linked Classification Criteria (2023). Collection method: clinical testing. Allele origin: unknown.
Comment: This variant is considered benign. This variant is a silent/synonymous amino acid change and it is not expected to impact splicing.

Labcorp Genetics (formerly Invitae), Labcorp
Classification: Likely benign for Ataxia-telangiectasia syndrome. Last evaluated: 2024-04-29. Review status: criteria provided, single submitter. Criteria: Invitae Variant Classification Sherloc (09022015). Collection method: clinical testing. Allele origin: germline.

Ambry Genetics
Classification: Likely benign for Hereditary cancer-predisposing syndrome. Last evaluated: 2022-01-31. Review status: criteria provided, single submitter. Criteria: Ambry Variant Classification Scheme 2023. Collection method: clinical testing. Allele origin: germline.

Color Diagnostics, LLC DBA Color Health
Classification: Likely benign for Hereditary cancer-predisposing syndrome. Last evaluated: 2021-10-19. Review status: criteria provided, single submitter. Criteria: ACMG Guidelines, 2015. Collection method: clinical testing. Allele origin: germline.

Department of Pathology and Laboratory Medicine, Sinai Health System
Classification: Likely benign for Familial colorectal cancer type X. Last evaluated: 2020-11-19. Review status: criteria provided, single submitter. Criteria: ACMG Guidelines, 2015. Collection method: clinical testing. Allele origin: germline. Affected: yes.

Genetic Services Laboratory, University of Chicago
Classification: Uncertain significance. Last evaluated: 2015-09-22. Review status: criteria provided, single submitter. Criteria: ACMG Guidelines, 2015. Collection method: clinical testing. Allele origin: germline. Affected: no.